The following is an entry in ClinVar:

NM_004586.3(RPS6KA3):c.1840G>C (p.Gly614Arg)

Gene: RPS6KA3 (ribosomal protein S6 kinase A3; minus strand). Cytogenetic location: Xp22.12.
Variant type: single nucleotide variant.
Coding change: c.1840G>C on transcript NM_004586.3 (MANE Select); coding-DNA position 1840, G replaced by C.
Protein change: p.Gly614Arg; replaces glycine 614 with arginine.
Molecular consequence: missense variant.
Genome position (GRCh38, 1-based): chrX:20,162,965, C>G on the plus strand (G>C on the coding strand, the complement: RPS6KA3 is on the minus strand). VCF-style: chrX-20162965-C-G. GRCh37 (hg19) VCF-style: chrX-20181083-C-G.
Other names: short protein forms G614R.
Identifiers: ClinVar variation 3360398 (VCV003360398.2).

ClinVar aggregate classification (germline): Uncertain significance (1 of 4 stars; one submission).

Submission:

GeneDx
Classification: Uncertain significance. Last evaluated: 2024-12-19. Review status: criteria provided, single submitter. Criteria: GeneDx Variant Classification Process June 2021. Collection method: clinical testing. Allele origin: germline.
Comment: Not observed at significant frequency in large population cohorts (gnomAD); In silico analysis supports that this missense variant has a deleterious effect on protein structure/function; Has not been previously published as pathogenic or benign to our knowledge